The following is an entry in ClinVar:

NM_207361.6(FREM2):c.8043G>A (p.Val2681=)

Gene: FREM2 (FRAS1 related extracellular matrix 2; plus strand). Cytogenetic location: 13q13.3.
Variant type: single nucleotide variant.
Coding change: c.8043G>A on transcript NM_207361.6 (MANE Select); coding-DNA position 8043, G replaced by A.
Protein change: p.Val2681=; no amino-acid change (valine 2681 retained).
Molecular consequence: synonymous variant.
Genome position (GRCh38, 1-based): chr13:38,872,801, G>A. VCF-style: chr13-38872801-G-A. GRCh37 (hg19) VCF-style: chr13-39446938-G-A.
Identifiers: ClinVar variation 4986131 (VCV004986131.1).

ClinVar aggregate classification (germline): Likely benign (1 of 4 stars; one submission).

Conditions:
FREM2-related disorder. Also called: FREM2-related condition.

Submission:

PreventionGenetics, part of Exact Sciences
Classification: Likely benign for FREM2-related condition. Last evaluated: 2024-11-25. Review status: criteria provided, single submitter. Criteria: ACMG Guidelines, 2015. Collection method: clinical testing. Allele origin: germline.
Comment: This variant is classified as likely benign based on ACMG/AMP sequence variant interpretation guidelines (Richards et al. 2015 PMID: 25741868, with internal and published modifications).